The following is an entry in ClinVar:

ClinVar aggregate classification (germline): Uncertain significance (1 of 4 stars; one submission).

Conditions:
PLXNA1-related disorder. Also called: PLXNA1-related condition.

gnomAD v4.1: 15 of 1,613,908 alleles (0.00093%); highest among the groups gnomAD compares: South Asian, 0.0022%; no homozygotes.

Submission:

PreventionGenetics, part of Exact Sciences
Classification: Uncertain significance for PLXNA1-related condition. Last evaluated: 2026-02-26. Review status: criteria provided, single submitter. Criteria: ACMG Guidelines, 2015. Collection method: clinical testing. Allele origin: germline.
Comment: The PLXNA1 c.5111C>T variant is predicted to result in the amino acid substitution p.Thr1704Met. To our knowledge, this variant has not been reported in the literature. This variant is reported in 0.0033% of alleles in individuals of South Asian descent in gnomAD. At this time, the clinical significance of this variant is uncertain due to the absence of conclusive functional and genetic evidence.

NM_032242.4(PLXNA1):c.5111C>T (p.Thr1704Met)

Gene: PLXNA1 (plexin A1; plus strand). Cytogenetic location: 3q21.3.
Variant type: single nucleotide variant.
Coding change: c.5111C>T on transcript NM_032242.4 (MANE Select); coding-DNA position 5111, C replaced by T.
Protein change: p.Thr1704Met; replaces threonine 1704 with methionine.
Molecular consequence: missense variant.
Genome position (GRCh38, 1-based): chr3:127,030,292, C>T. VCF-style: chr3-127030292-C-T. GRCh37 (hg19) VCF-style: chr3-126749135-C-T.
Other names: short protein forms T1704M.
Identifiers: ClinVar variation 4983819 (VCV004983819.1).
Genomic context (GRCh38, chr3:127,030,292, plus strand): 5'-GCCCCCCGCAGGGCACACTGCAGAAGTTTGTGGACGACCTGTTTGAGACCATCTTCAGCA[C>T]GGCACACCGGGGCTCAGCCCTGCCGCTGGCCATCAAGTACATGTTCGACTTCCTGGATGA-3'
Protein context (NP_115618.3, residues 1694-1714): VDDLFETIFS[Thr1704Met]AHRGSALPLA